The following is an entry in ClinVar:

ClinVar aggregate classification (germline): Uncertain significance. Review status: criteria provided, multiple submitters, no conflicts (2 of 4 stars). 3 submissions from 3 submitters: Uncertain significance (3). Last evaluated 2024-06-20.

Conditions:
Hypercalcemia, infantile, 1 (HCINF1). Identifiers: Orphanet 300547, MedGen CN031131, MONDO:0020739, OMIM 143880.

Allele frequency attached by ClinVar (database versions not stated): gnomAD 0.00001; gnomAD exomes 0.00001 and 0.00002; TOPMed 0.00002; ESP Exome Variant Server 0.00008.
gnomAD v4.1: 37 of 1,614,088 alleles (0.0023%); highest among the groups gnomAD compares: Non-Finnish European, 0.0028%; no homozygotes.

Submissions (3):

Fulgent Genetics
Classification: Uncertain significance for Hypercalcemia, infantile, 1. Last evaluated: 2024-06-20. Review status: criteria provided, single submitter. Criteria: ACMG Guidelines, 2015. Collection method: clinical testing. Allele origin: germline.

Labcorp Genetics (formerly Invitae), Labcorp
Classification: Uncertain significance. Last evaluated: 2020-05-08. Review status: criteria provided, single submitter. Criteria: Invitae Variant Classification Sherloc (09022015). Collection method: clinical testing. Allele origin: germline.
Comment: In summary, the available evidence is currently insufficient to determine the role of this variant in disease. Therefore, it has been classified as a Variant of Uncertain Significance. Algorithms developed to predict the effect of missense changes on protein structure and function are either unavailable or do not agree on the potential impact of this missense change (SIFT: "Deleterious"; PolyPhen-2: "Probably Damaging"; Align-GVGD: "Class C0"). This variant has not been reported in the literature in individuals with CYP24A1-related conditions. ClinVar contains an entry for this variant (Variation ID: 338824). This variant is not present in population databases (ExAC no frequency). This sequence change replaces leucine with proline at codon 259 of the CYP24A1 protein (p.Leu259Pro). The leucine residue is highly conserved and there is a moderate physicochemical difference between leucine and proline.

Illumina Laboratory Services, Illumina
Classification: Uncertain significance for Hypercalcemia, infantile, 1. Last evaluated: 2018-01-13. Review status: criteria provided, single submitter. Criteria: ICSL Variant Classification Criteria 13 December 2019. Collection method: clinical testing. Allele origin: germline.

NM_000782.5(CYP24A1):c.776T>C (p.Leu259Pro)

Gene: CYP24A1 (cytochrome P450 family 24 subfamily A member 1; minus strand). Cytogenetic location: 20q13.2.
Variant type: single nucleotide variant.
Coding change: c.776T>C on transcript NM_000782.5 (MANE Select); coding-DNA position 776, T replaced by C.
Protein change: p.Leu259Pro; replaces leucine 259 with proline.
Molecular consequence: missense variant.
Genome position (GRCh38, 1-based): chr20:54,164,520, A>G on the plus strand (T>C on the coding strand, the complement: CYP24A1 is on the minus strand). VCF-style: chr20-54164520-A-G. GRCh37 (hg19) VCF-style: chr20-52781059-A-G.
Other names: c.776T>C, p.Leu259Pro (NM_001128915.2); short protein forms L259P.
Identifiers: ClinVar variation 338824 (VCV000338824.14), dbSNP rs373902459, ClinGen allele CA10644115.